The following is an entry in ClinVar:

ClinVar aggregate classification (germline): Uncertain significance (1 of 4 stars; one submission).

Submission:

GeneDx
Classification: Uncertain significance. Last evaluated: 2025-03-18. Review status: criteria provided, single submitter. Criteria: GeneDx Variant Classification Process June 2021. Collection method: clinical testing. Allele origin: germline. Affected: yes.
Comment: Not observed at significant frequency in large population cohorts (gnomAD); In silico analysis supports that this missense variant has a deleterious effect on protein structure/function; Has not been previously published as pathogenic or benign to our knowledge; Also known as p.(E1090K)

NM_000384.3(APOB):c.3349G>A (p.Glu1117Lys)

Gene: APOB (apolipoprotein B; minus strand). Cytogenetic location: 2p24.1.
Variant type: single nucleotide variant.
Coding change: c.3349G>A on transcript NM_000384.3 (MANE Select); coding-DNA position 3349, G replaced by A.
Protein change: p.Glu1117Lys; replaces glutamic acid 1117 with lysine.
Molecular consequence: missense variant.
Genome position (GRCh38, 1-based): chr2:21,015,529, C>T on the plus strand (G>A on the coding strand, the complement: APOB is on the minus strand). VCF-style: chr2-21015529-C-T. GRCh37 (hg19) VCF-style: chr2-21238401-C-T.
Other names: short protein forms E1117K.
Identifiers: ClinVar variation 4086639 (VCV004086639.1).